The following is an entry in ClinVar:

ClinVar aggregate classification (germline): Uncertain significance (1 of 4 stars; one submission).

Submission:

Labcorp Genetics (formerly Invitae), Labcorp
Classification: Uncertain significance. Last evaluated: 2023-03-28. Review status: criteria provided, single submitter. Criteria: Invitae Variant Classification Sherloc (09022015). Collection method: clinical testing. Allele origin: germline.
Comment: This variant has not been reported in the literature in individuals affected with COMP-related conditions. This variant is not present in population databases (gnomAD no frequency). This sequence change replaces threonine, which is neutral and polar, with methionine, which is neutral and non-polar, at codon 592 of the COMP protein (p.Thr592Met). Advanced modeling of protein sequence and biophysical properties (such as structural, functional, and spatial information, amino acid conservation, physicochemical variation, residue mobility, and thermodynamic stability) performed at Invitae indicates that this missense variant is not expected to disrupt COMP protein function. In summary, the available evidence is currently insufficient to determine the role of this variant in disease. Therefore, it has been classified as a Variant of Uncertain Significance.

NM_000095.3(COMP):c.1775C>T (p.Thr592Met)

Gene: COMP (cartilage oligomeric matrix protein; minus strand). Cytogenetic location: 19p13.11.
Variant type: single nucleotide variant.
Coding change: c.1775C>T on transcript NM_000095.3 (MANE Select); coding-DNA position 1775, C replaced by T.
Protein change: p.Thr592Met; replaces threonine 592 with methionine.
Molecular consequence: missense variant.
Genome position (GRCh38, 1-based): chr19:18,785,035, G>A on the plus strand (C>T on the coding strand, the complement: COMP is on the minus strand). VCF-style: chr19-18785035-G-A. GRCh37 (hg19) VCF-style: chr19-18895845-G-A.
Other names: short protein forms T592M.
Identifiers: ClinVar variation 2840614 (VCV002840614.3), dbSNP rs2512845663, ClinGen allele CA404878846.